The following is an entry in ClinVar:

ClinVar aggregate classification (germline): Pathogenic (1 of 4 stars; one submission).

Conditions:
Gorlin syndrome. Also called: Nevoid Basal Cell Carcinoma Syndrome; Basal cell nevus syndrome. Identifiers: Orphanet 377, MedGen C0004779, MONDO:0007187.

Submission:

Labcorp Genetics (formerly Invitae), Labcorp
Classification: Pathogenic for Gorlin syndrome. Last evaluated: 2024-08-15. Review status: criteria provided, single submitter. Criteria: Invitae Variant Classification Sherloc (09022015). Collection method: clinical testing. Allele origin: germline.
Comment: This sequence change creates a premature translational stop signal (p.Leu354Serfs*13) in the PTCH1 gene. It is expected to result in an absent or disrupted protein product. Loss-of-function variants in PTCH1 are known to be pathogenic (PMID: 16301862, 16419085). This variant is not present in population databases (gnomAD no frequency). This variant has not been reported in the literature in individuals affected with PTCH1-related conditions. For these reasons, this variant has been classified as Pathogenic.

Literature cited by the submitters: PubMed 16301862; PubMed 16419085.

NM_000264.5(PTCH1):c.1060del (p.Leu354fs)

Gene: PTCH1 (patched 1; minus strand). Cytogenetic location: 9q22.32.
Variant type: Deletion.
Coding change: c.1060del on transcript NM_000264.5 (MANE Select); coding-DNA position 1060, one base deleted (C; older notation c.1060delC).
Protein change: p.Leu354fs; shifts the reading frame from leucine 354.
Molecular consequence: frameshift variant. On other transcripts: non-coding transcript variant (1).
Genome position (GRCh38, 1-based): chr9:95,479,976, G deleted on the plus strand (C on the coding strand, the reverse complement: PTCH1 is on the minus strand). VCF-style (leftmost placement, unchanged base first): chr9-95479975-AG-A. GRCh37 (hg19) VCF-style: chr9-98242257-AG-A.
Other names: c.862del, p.Leu288fs (NM_001083602.3); c.1057del, p.Leu353fs (NM_001083603.3); c.607del, p.Leu203fs (NM_001083604.3, NM_001083605.3, NM_001083606.3 and 1 more transcripts); c.1060del, p.Leu354fs (NM_001354918.2); short protein forms L353fs, L288fs, L354fs, L203fs.
Identifiers: ClinVar variation 3662508 (VCV003662508.2).